The following is an entry in ClinVar:

ClinVar aggregate classification (germline): Pathogenic/Likely pathogenic. Review status: criteria provided, multiple submitters, no conflicts (2 of 4 stars). 3 submissions from 3 submitters: Pathogenic (2); Likely pathogenic (1). Last evaluated 2024-03-17.

Conditions:
Spastic paraplegia. Identifiers: MedGen C0037772, HP:0001258.
Charlevoix-Saguenay spastic ataxia (SACS). Also called: Spastic ataxia of Charlevoix-Saguenay; AUTOSOMAL RECESSIVE SPASTIC ATAXIA OF CHARLEVOIX-SAGUENAY; SPASTIC ATAXIA 6, AUTOSOMAL RECESSIVE. Identifiers: Orphanet 98, MedGen C1849140, MONDO:0010041, OMIM 270550.

Allele frequency attached by ClinVar (database versions not stated): gnomAD exomes below 0.00001.

Submissions (3):

Baylor Genetics
Classification: Pathogenic for Charlevoix-Saguenay spastic ataxia. Last evaluated: 2024-03-17. Review status: criteria provided, single submitter. Criteria: ACMG Guidelines, 2015. Collection method: clinical testing. Allele origin: unknown.

Labcorp Genetics (formerly Invitae), Labcorp
Classification: Pathogenic for Spastic paraplegia. Last evaluated: 2024-03-17. Review status: criteria provided, single submitter. Criteria: Invitae Variant Classification Sherloc (09022015). Collection method: clinical testing. Allele origin: germline.
Comment: This sequence change creates a premature translational stop signal (p.Gln3671Argfs*24) in the SACS gene. While this is not anticipated to result in nonsense mediated decay, it is expected to disrupt the last 909 amino acid(s) of the SACS protein. This variant is not present in population databases (gnomAD no frequency). This premature translational stop signal has been observed in individual(s) with hereditary spastic paraplegia (PMID: 24164681). This variant is also known as p.Q3671Rfs23*. ClinVar contains an entry for this variant (Variation ID: 2137464). This variant disrupts a region of the SACS protein in which other variant(s) (p.Leu4451Pro) have been determined to be pathogenic (PMID: 15156359, 21507954). This suggests that this is a clinically significant region of the protein, and that variants that disrupt it are likely to be disease-causing. For these reasons, this variant has been classified as Pathogenic.

PROSPAX: an integrated multimodal progression  chart in spastic ataxias, Center for Neurology; Hertie-Institute for Clinical Brain Research
Classification: Likely pathogenic for Charlevoix-Saguenay spastic ataxia. Last evaluated: 2022-01-01. Review status: criteria provided, single submitter. Criteria: ACMG Guidelines, 2015. Collection method: research. Allele origin: germline. Affected: yes. Observed: 1 variant allele, 1 compound heterozygote.

Literature cited by the submitters: PubMed 24164681 (cited by Labcorp Genetics (formerly Invitae), Labcorp); PubMed 15156359 (cited by Labcorp Genetics (formerly Invitae), Labcorp); PubMed 21507954 (cited by Labcorp Genetics (formerly Invitae), Labcorp).

NM_014363.6(SACS):c.11012_11013del (p.Gln3671fs)

Gene: SACS (sacsin molecular chaperone; minus strand). Cytogenetic location: 13q12.12.
Variant type: Deletion.
Coding change: c.11012_11013del on transcript NM_014363.6 (MANE Select); coding-DNA positions 11012 to 11013, 2 bases deleted (AA; older notation c.11012_11013delAA).
Protein change: p.Gln3671fs; shifts the reading frame from glutamine 3671.
Molecular consequence: frameshift variant.
Genome position (GRCh38, 1-based): chr13:23,332,863-23,332,864, TT deleted on the plus strand (AA on the coding strand, the reverse complement: SACS is on the minus strand). VCF-style (leftmost placement, unchanged base first): chr13-23332862-CTT-C. GRCh37 (hg19) VCF-style: chr13-23907001-CTT-C.
Other names: c.10571_10572del, p.Gln3524fs (NM_001278055.2); short protein forms Q3524fs, Q3671fs.
Identifiers: ClinVar variation 2137464 (VCV002137464.7), dbSNP rs1883576381, ClinGen allele CA2078632119.
Genomic context (GRCh38, chr13:23,332,862, plus strand): 5'-TGAATTTTGGATTTACCTGTGCTCCATTGAACTTTATAAGAGGAAGTGTTCCATTTACCT[CTT>C]GATATTGAGGATGAAATCTAATGAATTCCGCGGGGGCCCGCTCAGGACATAAGAATGGTA-3'